The following is an entry in ClinVar:

ClinVar aggregate classification (germline): Uncertain significance. Review status: criteria provided, multiple submitters, no conflicts (2 of 4 stars). 3 submissions from 3 submitters: Uncertain significance (3). Last evaluated 2024-08-04.

Conditions:
Cardiovascular phenotype. Identifiers: MedGen CN230736.
Brugada syndrome 5 (BRGDA5). Identifiers: Orphanet 130, Orphanet 871, MedGen C2748541, MONDO:0013015, OMIM 612838.

Allele frequency attached by ClinVar (database versions not stated): gnomAD exomes 0.00001; ExAC 0.00002; TOPMed 0.00002; gnomAD 0.00003 and 0.00004.
gnomAD v4.1: 16 of 1,613,966 alleles (0.00099%); highest among the groups gnomAD compares: African/African-American, 0.004%; no homozygotes.

Submissions (3):

Labcorp Genetics (formerly Invitae), Labcorp
Classification: Uncertain significance for Brugada syndrome 5. Last evaluated: 2024-08-04. Review status: criteria provided, single submitter. Criteria: Invitae Variant Classification Sherloc (09022015). Collection method: clinical testing. Allele origin: germline.
Comment: This sequence change replaces valine, which is neutral and non-polar, with methionine, which is neutral and non-polar, at codon 90 of the SCN1B protein (p.Val90Met). This variant is present in population databases (rs778461222, gnomAD 0.003%). This variant has not been reported in the literature in individuals affected with SCN1B-related conditions. ClinVar contains an entry for this variant (Variation ID: 284541). An algorithm developed to predict the effect of missense changes on protein structure and function (PolyPhen-2) suggests that this variant is likely to be disruptive. In summary, the available evidence is currently insufficient to determine the role of this variant in disease. Therefore, it has been classified as a Variant of Uncertain Significance.

Ambry Genetics
Classification: Uncertain significance for Cardiovascular phenotype. Last evaluated: 2022-07-14. Review status: criteria provided, single submitter. Criteria: Ambry Variant Classification Scheme 2023. Collection method: clinical testing. Allele origin: germline.
Comment: The p.V90M variant (also known as c.268G>A), located in coding exon 3 of the SCN1B gene, results from a G to A substitution at nucleotide position 268. The valine at codon 90 is replaced by methionine, an amino acid with highly similar properties. This amino acid position is conserved. In addition, the in silico prediction for this alteration is inconclusive. Since supporting evidence is limited at this time, the clinical significance of this alteration remains unclear.

Eurofins Ntd Llc (ga)
Classification: Uncertain significance. Last evaluated: 2015-11-23. Review status: criteria provided, single submitter. Criteria: EGL Classification Definitions 2015. Collection method: clinical testing. Allele origin: germline. Observed: 1 variant allele, 1 heterozygote.

NM_001037.5(SCN1B):c.268G>A (p.Val90Met)

Gene: SCN1B (sodium voltage-gated channel beta subunit 1; plus strand). Cytogenetic location: 19q13.11.
Variant type: single nucleotide variant.
Coding change: c.268G>A on transcript NM_001037.5 (MANE Select); coding-DNA position 268, G replaced by A.
Protein change: p.Val90Met; replaces valine 90 with methionine.
Molecular consequence: missense variant.
Genome position (GRCh38, 1-based): chr19:35,033,559, G>A. VCF-style: chr19-35033559-G-A. GRCh37 (hg19) VCF-style: chr19-35524463-G-A.
Other names: c.169G>A, p.Val57Met (NM_001321605.2); c.268G>A, p.Val90Met (NM_199037.5); short protein forms V90M, V57M.
Identifiers: ClinVar variation 284541 (VCV000284541.14), dbSNP rs778461222, ClinGen allele CA9371999.